The following is an entry in ClinVar:

ClinVar aggregate classification (germline): Benign. Review status: criteria provided, multiple submitters, no conflicts (2 of 4 stars). 2 submissions from 2 submitters: Benign (2). Last evaluated 2023-12-11.

Allele frequency attached by ClinVar (database versions not stated): gnomAD exomes 0.23203 and 0.26158; ExAC 0.26621; gnomAD 0.30114 and 0.30164; ESP Exome Variant Server 0.30955; TOPMed 0.31818; 1000 Genomes Project 0.34365; 1000 Genomes Project 30x 0.34744.
gnomAD v4.1: 385,737 of 1,613,514 alleles (24%); highest among the groups gnomAD compares: African/African-American, 48%; 49,153 homozygotes.

Submissions (2):

Labcorp Genetics (formerly Invitae), Labcorp
Classification: Benign. Last evaluated: 2023-12-11. Review status: criteria provided, single submitter. Criteria: Invitae Variant Classification Sherloc (09022015). Collection method: clinical testing. Allele origin: germline.

GeneDx
Classification: Benign. Last evaluated: 2016-01-11. Review status: criteria provided, single submitter. Criteria: GeneDx Variant Classification (06012015). Collection method: clinical testing. Allele origin: germline. Affected: yes.
Comment: This variant is considered likely benign or benign based on one or more of the following criteria: it is a conservative change, it occurs at a poorly conserved position in the protein, it is predicted to be benign by multiple in silico algorithms, and/or has population frequency not consistent with disease.

NM_018341.3(ERMARD):c.1618A>G (p.Ser540Gly)

Gene: ERMARD (ER membrane associated RNA degradation; plus strand). Cytogenetic location: 6q27.
Variant type: single nucleotide variant.
Coding change: c.1618A>G on transcript NM_018341.3 (MANE Select); coding-DNA position 1618, A replaced by G.
Protein change: p.Ser540Gly; replaces serine 540 with glycine.
Molecular consequence: missense variant. On other transcripts: intron variant (2).
Genome position (GRCh38, 1-based): chr6:169,776,552, A>G. VCF-style: chr6-169776552-A-G. GRCh37 (hg19) VCF-style: chr6-170176648-A-G.
Other names: c.1240A>G, p.Ser414Gly (NM_001278532.2); c.1598+141A>G (NM_001278531.2); c.1520+487A>G (NM_001278533.2); short protein forms S540G, S414G.
Identifiers: ClinVar variation 380789 (VCV000380789.4), dbSNP rs4716346, ClinGen allele CA4106361.